The following is an entry in ClinVar:

ClinVar aggregate classification (germline): Uncertain significance. Review status: criteria provided, multiple submitters, no conflicts (2 of 4 stars). 3 submissions from 3 submitters: Uncertain significance (3). Last evaluated 2025-06-28.

Conditions:
Cardiovascular phenotype. Identifiers: MedGen CN230736.
Dilated cardiomyopathy 1DD (CMD1DD). Identifiers: Orphanet 154, MedGen C2750995, MONDO:0013168, OMIM 613172.

Allele frequency attached by ClinVar (database versions not stated): gnomAD exomes 0.00001.
gnomAD v4.1: 10 of 1,551,828 alleles (0.00064%); highest among the groups gnomAD compares: Non-Finnish European, 0.0007%; no homozygotes.

Submissions (3):

Ambry Genetics
Classification: Uncertain significance for Cardiovascular phenotype. Last evaluated: 2025-06-28. Review status: criteria provided, single submitter. Criteria: Ambry Variant Classification Scheme 2023. Collection method: clinical testing. Allele origin: germline.
Comment: The p.N135S variant (also known as c.404A>G), located in coding exon 2 of the RBM20 gene, results from an A to G substitution at nucleotide position 404. The asparagine at codon 135 is replaced by serine, an amino acid with highly similar properties. This amino acid position is highly conserved in available vertebrate species. In addition, the in silico prediction for this alteration is inconclusive. Since supporting evidence is limited at this time, the clinical significance of this alteration remains unclear.

Labcorp Genetics (formerly Invitae), Labcorp
Classification: Uncertain significance for Dilated cardiomyopathy 1DD. Last evaluated: 2025-02-12. Review status: criteria provided, single submitter. Criteria: Invitae Variant Classification Sherloc (09022015). Collection method: clinical testing. Allele origin: germline.
Comment: This sequence change replaces asparagine, which is neutral and polar, with serine, which is neutral and polar, at codon 135 of the RBM20 protein (p.Asn135Ser). This variant is present in population databases (no rsID available, gnomAD 0.002%). This variant has not been reported in the literature in individuals affected with RBM20-related conditions. ClinVar contains an entry for this variant (Variation ID: 1498800). An algorithm developed to predict the effect of missense changes on protein structure and function outputs the following: PolyPhen-2: "Benign". The serine amino acid residue is found in multiple mammalian species, which suggests that this missense change does not adversely affect protein function. In summary, the available evidence is currently insufficient to determine the role of this variant in disease. Therefore, it has been classified as a Variant of Uncertain Significance.

Victorian Clinical Genetics Services, Murdoch Childrens Research Institute
Classification: Uncertain significance for Dilated cardiomyopathy 1DD. Last evaluated: 2020-07-02. Review status: criteria provided, single submitter. Criteria: ACMG Guidelines, 2015. Collection method: clinical testing. Allele origin: germline. Inheritance: Autosomal dominant inheritance.
Comment: Based on the classification scheme VCGS_Germline_v1.3.3, this variant is classified as VUS-3B. Following criteria are met: 0105 - The mechanism of disease for this gene is not clearly established. Very few variants have been reported for this gene, although haploinsufficiency has been indicated by variants that affect the RS-rich hotspot region in exon 9 (PMID: 27496873, PMID: 30547036). (I) 0107 - This gene is associated with autosomal dominant disease. (I) 0200 - Variant is predicted to result in a missense amino acid change from asparagine to serine, exon 2. (I) 0251 - This variant is heterozygous. (I) 0302 - Variant is present in gnomAD (v2.1.1) <0.001 for a dominant condition: 0.00000636 (1 heterozygote, 0 homozygotes). Absent in gnomAD (v3). (SP) 0504 - Same amino acid change has been observed in placental mammals. Golden hamster, Tibertan antelope. (SB) 0604 - Variant is not located in an established domain, motif, hotspot or informative constraint region. (I) 0705 - No comparable missense variants have previous evidence for pathogenicity. (I) 0807 - This variant has no previous evidence of pathogenicity. (I) 0905 - No published segregation evidence has been identified for this variant. (I) 1007 - No published functional evidence has been identified for this variant. (I) 1208 - Inheritance information for this variant is not currently available in this individual. (I) Legend: (SP) - Supporting Pathogenic, (I) – Information, (SB) – Supporting Benign

Literature cited by the submitters: PubMed 27496873 (cited by Victorian Clinical Genetics Services, Murdoch Childrens Research Institute); PubMed 30547036 (cited by Victorian Clinical Genetics Services, Murdoch Childrens Research Institute).

NM_001134363.3(RBM20):c.404A>G (p.Asn135Ser)

Gene: RBM20 (RNA binding motif protein 20; plus strand). Cytogenetic location: 10q25.2.
Variant type: single nucleotide variant.
Coding change: c.404A>G on transcript NM_001134363.3 (MANE Select); coding-DNA position 404, A replaced by G.
Protein change: p.Asn135Ser; replaces asparagine 135 with serine.
Molecular consequence: missense variant.
Genome position (GRCh38, 1-based): chr10:110,781,013, A>G. VCF-style: chr10-110781013-A-G. GRCh37 (hg19) VCF-style: chr10-112540771-A-G.
Other names: short protein forms N135S.
Identifiers: ClinVar variation 1498800 (VCV001498800.10), dbSNP rs1460527562, ClinGen allele CA378380056.